The following is an entry in ClinVar:

ClinVar aggregate classification (germline): Benign/Likely benign. Review status: criteria provided, multiple submitters, no conflicts (2 of 4 stars). 2 submissions from 2 submitters: Benign (1); Likely benign (1). Last evaluated 2025-10-26.

Conditions:
Cardiovascular phenotype. Identifiers: MedGen CN230736.

Allele frequency attached by ClinVar (database versions not stated): gnomAD below 0.00001 and 0.00001; ExAC 0.00002; gnomAD exomes 0.00002; 1000 Genomes Project 30x 0.00016; 1000 Genomes Project 0.00020.
gnomAD v4.1: 28 of 1,614,116 alleles (0.0017%); highest among the groups gnomAD compares: South Asian, 0.024%; no homozygotes.

Submissions (2):

Ambry Genetics
Classification: Likely benign for Cardiovascular phenotype. Last evaluated: 2025-10-26. Review status: criteria provided, single submitter. Criteria: Ambry Variant Classification Scheme 2023. Collection method: clinical testing. Allele origin: germline.

Athena Diagnostics
Classification: Benign. Last evaluated: 2025-02-21. Review status: criteria provided, single submitter. Criteria: Athena Diagnostics Criteria. Collection method: clinical testing. Allele origin: unknown.
Comment: The frequency of this variant in the general population is higher than would generally be expected for pathogenic variants in this gene. Computational tools yielded predictions that this variant is unlikely to have an effect on normal RNA splicing. This nucleotide position exhibits low evolutionary conservation. This variant has been seen where an alternate explanation for disease was also identified.

NM_001378969.1(KCND3):c.906C>G (p.Arg302=)

Gene: KCND3 (potassium voltage-gated channel subfamily D member 3; minus strand). Cytogenetic location: 1p13.2.
Variant type: single nucleotide variant.
Coding change: c.906C>G on transcript NM_001378969.1 (MANE Select); coding-DNA position 906, C replaced by G.
Protein change: p.Arg302=; no amino-acid change (arginine 302 retained).
Molecular consequence: synonymous variant.
Genome position (GRCh38, 1-based): chr1:111,981,821, G>C on the plus strand (C>G on the coding strand, the complement: KCND3 is on the minus strand). VCF-style: chr1-111981821-G-C. GRCh37 (hg19) VCF-style: chr1-112524443-G-C.
Other names: c.906C>G, p.Arg302= (NM_001378970.1, NM_004980.5, NM_172198.3).
Identifiers: ClinVar variation 586071 (VCV000586071.3), dbSNP rs575946174, ClinGen allele CA1007534.